The following is an entry in ClinVar:

ClinVar aggregate classification (germline): Uncertain significance (1 of 4 stars; one submission).

Conditions:
Hereditary cancer-predisposing syndrome. Also called: Hereditary Cancer Syndrome; Hereditary neoplastic syndrome; Neoplastic Syndromes, Hereditary; Tumor predisposition. Identifiers: Orphanet 140162, MedGen C0027672, MeSH D009386, MONDO:0015356.

Submission:

Ambry Genetics
Classification: Uncertain significance for Hereditary cancer-predisposing syndrome. Last evaluated: 2023-07-15. Review status: criteria provided, single submitter. Criteria: Ambry Variant Classification Scheme 2023. Collection method: clinical testing. Allele origin: germline.
Comment: The p.G327R variant (also known as c.979G>C), located in coding exon 8 of the NBN gene, results from a G to C substitution at nucleotide position 979. The glycine at codon 327 is replaced by arginine, an amino acid with dissimilar properties. This amino acid position is well conserved in available vertebrate species. In addition, this alteration is predicted to be tolerated by in silico analysis. Since supporting evidence is limited at this time, the clinical significance of this alteration remains unclear.

NM_002485.5(NBN):c.979G>C (p.Gly327Arg)

Gene: NBN (nibrin; minus strand). Cytogenetic location: 8q21.3.
Variant type: single nucleotide variant.
Coding change: c.979G>C on transcript NM_002485.5 (MANE Select); coding-DNA position 979, G replaced by C.
Protein change: p.Gly327Arg; replaces glycine 327 with arginine.
Molecular consequence: missense variant.
Genome position (GRCh38, 1-based): chr8:89,964,425, C>G on the plus strand (G>C on the coding strand, the complement: NBN is on the minus strand). VCF-style: chr8-89964425-C-G. GRCh37 (hg19) VCF-style: chr8-90976653-C-G.
Other names: c.733G>C, p.Gly245Arg (NM_001024688.3); short protein forms G327R, G245R.
Identifiers: ClinVar variation 1768234 (VCV001768234.3), dbSNP rs2488284097, ClinGen allele CA371656870.